The following is an entry in ClinVar:

ClinVar aggregate classification (germline): Uncertain significance (1 of 4 stars; one submission).

Submission:

Women's Health and Genetics/Laboratory Corporation of America, LabCorp
Classification: Uncertain significance. Last evaluated: 2024-09-27. Review status: criteria provided, single submitter. Criteria: LabCorp Variant Classification Summary - May 2015. Collection method: clinical testing. Allele origin: germline.
Comment: Variant summary: NEB c.25509+1_25509+3delinsATGGATG is located in a canonical splice-site within the last intron and is predicted to affect mRNA splicing resulting in a significantly altered protein due to either exon skipping, shortening, or inclusion of intronic material, but is not expected to result in nonsense mediated decay. Variants that disrupt the consensus splice site are a relatively common cause of aberrant splicing and loss of NEB function. Several computational tools predict a significant impact on normal splicing: Three predict the variant abolishes a 5' splicing donor site. However, these predictions have yet to be confirmed by functional studies. The variant was absent in 248912 control chromosomes. To our knowledge, no occurrence of c.25509+1_25509+3delinsATGGATG in individuals affected with Nemaline Myopathy 2 and no experimental evidence demonstrating its impact on protein function has been reported. No submitters have cited clinical-significance assessments for this variant to ClinVar. Based on the evidence outlined above, the variant was classified as uncertain significance.

NM_001164508.2(NEB):c.25404+1_25404+3delinsATGGATG

Genes: NEB (nebulin; minus strand), RIF1 (replication timing regulatory factor 1; plus strand). Cytogenetic location: 2q23.3.
Variant type: Indel.
Coding change: c.25404+1_25404+3delinsATGGATG on transcript NM_001164508.2 (MANE Select); the canonical splice donor site of the intron after coding-DNA position 25404 through 3 bases into the intron after coding-DNA position 25404, GTA replaced by ATGGATG.
Molecular consequence: splice donor variant.
Genome position (GRCh38, 1-based): chr2:151,489,968-151,489,970, TAC replaced by CATCCAT on the plus strand (GTA replaced by ATGGATG on the coding strand, the reverse complement: NEB is on the minus strand). VCF-style: chr2-151489968-TAC-CATCCAT. GRCh37 (hg19) VCF-style: chr2-152346482-TAC-CATCCAT.
Other names: c.19836+1_19836+3delinsATGGATG (NM_004543.5); c.25404+1_25404+3delinsATGGATG (NM_001164507.2); c.25509+1_25509+3delinsATGGATG (NM_001271208.2).
Identifiers: ClinVar variation 3375139 (VCV003375139.1).